The following is an entry in ClinVar:

NM_206933.4(USH2A):c.3724C>T (p.Pro1242Ser)

Genes: USH2A-AS1 (USH2A antisense RNA 1; plus strand), USH2A (usherin; minus strand). Cytogenetic location: 1q41.
Variant type: single nucleotide variant.
Coding change: c.3724C>T on transcript NM_206933.4 (MANE Select); coding-DNA position 3724, C replaced by T.
Protein change: p.Pro1242Ser; replaces proline 1242 with serine.
Molecular consequence: missense variant.
Genome position (GRCh38, 1-based): chr1:216,199,714, G>A on the plus strand (C>T on the coding strand, the complement: USH2A is on the minus strand). VCF-style: chr1-216199714-G-A. GRCh37 (hg19) VCF-style: chr1-216373056-G-A.
Other names: c.3724C>T, p.Pro1242Ser (NM_007123.6); short protein forms P1242S.
Identifiers: ClinVar variation 552602 (VCV000552602.47), dbSNP rs755849364, ClinGen allele CA1395934.
Genomic context (GRCh38, chr1:216,199,714, plus strand): 5'-CTACATGAAGTTCTGTAGAACTGATTTTCTGCATCTTAGGTGGACTTAGTCTTTGGGGAG[G>A]GGCCTGGGCTGTGGTCACTGTAATGGGCAAGCTGTGTAAACAGCCCCCGCTAGTACACGC-3'
Protein context (NP_996816.3, residues 1232-1252): LPITVTTAQA[Pro1242Ser]PQRLSPPKMQ

ClinVar aggregate classification (germline): Uncertain significance. Review status: criteria provided, multiple submitters, no conflicts (2 of 4 stars). 8 submissions from 7 submitters: Uncertain significance (6). 2 of the submissions do not count toward it. Last evaluated 2023-11-04.

Conditions:
Retinitis pigmentosa 39 (RP39). Identifiers: Orphanet 791, MedGen C3151138, MONDO:0013436, OMIM 613809.
Usher syndrome type 2A. Also called: USHER SYNDROME, TYPE IIA; RETINAL DISEASE IN USHER SYNDROME TYPE IIA, MODIFIER OF. Identifiers: Orphanet 231178, Orphanet 886, MedGen C1848634, MONDO:0010169, OMIM 276901.
Retinal dystrophy. Also called: Inherited retinal dystrophy. Identifiers: Orphanet 71862, MedGen C0854723, MeSH D058499, MONDO:0019118, HP:0000556.

Allele frequency attached by ClinVar (database versions not stated): gnomAD below 0.00001 and 0.00001; gnomAD exomes 0.00001 and 0.00003; TOPMed 0.00001; ExAC 0.00002.
gnomAD v4.1: 24 of 1,613,928 alleles (0.0015%); highest among the groups gnomAD compares: South Asian, 0.015%; no homozygotes.

Submissions (8):

Genome-Nilou Lab
Classification: Uncertain significance for Retinitis pigmentosa 39. Last evaluated: 2023-11-04. Review status: criteria provided, single submitter. Criteria: ACMG Guidelines, 2015. Collection method: clinical testing. Allele origin: germline. Affected: no.

Genome-Nilou Lab
Classification: Uncertain significance for Usher syndrome type 2A. Last evaluated: 2023-11-04. Review status: criteria provided, single submitter. Criteria: ACMG Guidelines, 2015. Collection method: clinical testing. Allele origin: germline. Affected: no.

Blueprint Genetics
Classification: Uncertain significance. Last evaluated: 2023-04-21. Review status: criteria provided, single submitter. Criteria: ACMG Guidelines, 2015. Collection method: clinical testing. Allele origin: germline.

Labcorp Genetics (formerly Invitae), Labcorp
Classification: Uncertain significance. Last evaluated: 2022-07-19. Review status: criteria provided, single submitter. Criteria: Invitae Variant Classification Sherloc (09022015). Collection method: clinical testing. Allele origin: germline.
Comment: This sequence change replaces proline, which is neutral and non-polar, with serine, which is neutral and polar, at codon 1242 of the USH2A protein (p.Pro1242Ser). This variant is present in population databases (rs755849364, gnomAD 0.02%). This missense change has been observed in individual(s) with USH2A-related conditions (PMID: 25649381). ClinVar contains an entry for this variant (Variation ID: 552602). Algorithms developed to predict the effect of missense changes on protein structure and function are either unavailable or do not agree on the potential impact of this missense change (SIFT: "Deleterious"; PolyPhen-2: "Benign"; Align-GVGD: "Class C0"). In summary, the available evidence is currently insufficient to determine the role of this variant in disease. Therefore, it has been classified as a Variant of Uncertain Significance.

Institute of Human Genetics, Univ. Regensburg, Univ. Regensburg
Classification: Uncertain significance for Retinal dystrophy. Last evaluated: 2022-01-01. Review status: criteria provided, single submitter. Criteria: ACMG Guidelines, 2015. Collection method: clinical testing. Allele origin: germline. Affected: yes.

CeGaT Center for Human Genetics Tuebingen
Classification: Uncertain significance. Last evaluated: 2019-04-01. Review status: criteria provided, single submitter. Criteria: CeGaT Center For Human Genetics Tuebingen Variant Classification Criteria Version 2. Collection method: clinical testing. Allele origin: germline. Affected: yes. Observed: 1 variant allele.

Natera, Inc.
Classification: Uncertain significance for Usher syndrome type 2A. Last evaluated: 2021-04-05. Review status: no assertion criteria provided. Collection method: clinical testing. Allele origin: germline. Not counted in ClinVar's aggregate classification.

Counsyl
Classification: Uncertain significance for Usher syndrome type 2A; Retinitis pigmentosa 39. Last evaluated: 2017-06-23. Review status: no assertion criteria provided. Collection method: clinical testing. Allele origin: unknown. Not counted in ClinVar's aggregate classification.

Literature cited by the submitters: PubMed 25649381 (cited by 3 submitters); PubMed 3196484 (cited by Institute of Human Genetics, Univ. Regensburg, Univ. Regensburg).